The following is an entry in ClinVar:

NM_181523.3(PIK3R1):c.610A>G (p.Ser204Gly)

Gene: PIK3R1 (phosphoinositide-3-kinase regulatory subunit 1; plus strand). Cytogenetic location: 5q13.1.
Variant type: single nucleotide variant.
Coding change: c.610A>G on transcript NM_181523.3 (MANE Select); coding-DNA position 610, A replaced by G.
Protein change: p.Ser204Gly; replaces serine 204 with glycine.
Molecular consequence: missense variant.
Genome position (GRCh38, 1-based): chr5:68,279,709, A>G. VCF-style: chr5-68279709-A-G. GRCh37 (hg19) VCF-style: chr5-67575537-A-G.
Other names: short protein forms S204G.
Identifiers: ClinVar variation 1395156 (VCV001395156.8), dbSNP rs1481771249, ClinGen allele CA359874050.

ClinVar aggregate classification (germline): Uncertain significance (1 of 4 stars; one submission).

Conditions:
SHORT syndrome. Also called: LIPODYSTROPHY, PARTIAL, WITH RIEGER ANOMALY AND SHORT STATURE; PIK3R1-Related SHORT Syndrome; SHORT STATURE, HYPEREXTENSIBILITY, HERNIA, OCULAR DEPRESSION, RIEGER ANOMALY, AND TEETHING DELAY. Identifiers: Orphanet 3163, MedGen C0878684, MONDO:0010026, OMIM 269880.
Agammaglobulinemia 7, autosomal recessive (AGM7). Also called: AGAMMAGLOBULINEMIA, AUTOSOMAL RECESSIVE, DUE TO PIK3R1 DEFECT. Identifiers: MedGen C3554689, MONDO:0014083, OMIM 615214.
Immunodeficiency 36 with lymphoproliferation. Also called: Immunodeficiency 36; ACTIVATED PI3K-DELTA SYNDROME 2; Activated PI3K Delta Syndrome Type 2 (APDS2). Identifiers: Orphanet 397596, Orphanet 693681, MedGen C4014934, MONDO:0014453, OMIM 616005.

Allele frequency attached by ClinVar (database versions not stated): gnomAD exomes below 0.00001; TOPMed 0.00001; gnomAD 0.00002.
gnomAD v4.1: 6 of 1,614,062 alleles (0.00037%); highest among the groups gnomAD compares: African/African-American, 0.0013%; no homozygotes.

Submission:

Labcorp Genetics (formerly Invitae), Labcorp
Classification: Uncertain significance for SHORT syndrome; Immunodeficiency 36 with lymphoproliferation; Agammaglobulinemia 7, autosomal recessive. Last evaluated: 2025-07-28. Review status: criteria provided, single submitter. Criteria: Invitae Variant Classification Sherloc (09022015). Collection method: clinical testing. Allele origin: germline.
Comment: This sequence change replaces serine, which is neutral and polar, with glycine, which is neutral and non-polar, at codon 204 of the PIK3R1 protein (p.Ser204Gly). This variant is not present in population databases (gnomAD no frequency). This variant has not been reported in the literature in individuals affected with PIK3R1-related conditions. ClinVar contains an entry for this variant (Variation ID: 1395156). An algorithm developed to predict the effect of missense changes on protein structure and function (PolyPhen-2) suggests that this variant is likely to be tolerated. Algorithms developed to predict the effect of sequence changes on RNA splicing suggest that this variant may create or strengthen a splice site. In summary, the available evidence is currently insufficient to determine the role of this variant in disease. Therefore, it has been classified as a Variant of Uncertain Significance.